The following is an entry in ClinVar:

NM_004629.2(FANCG):c.151A>G (p.Arg51Gly)

Gene: FANCG (FA complementation group G; minus strand). Cytogenetic location: 9p13.3.
Variant type: single nucleotide variant.
Coding change: c.151A>G on transcript NM_004629.2 (MANE Select); coding-DNA position 151, A replaced by G.
Protein change: p.Arg51Gly; replaces arginine 51 with glycine.
Molecular consequence: missense variant.
Genome position (GRCh38, 1-based): chr9:35,079,175, T>C on the plus strand (A>G on the coding strand, the complement: FANCG is on the minus strand). VCF-style: chr9-35079175-T-C. GRCh37 (hg19) VCF-style: chr9-35079172-T-C.
Other names: short protein forms R51G.
Identifiers: ClinVar variation 4022530 (VCV004022530.1).
Genomic context (GRCh38, chr9:35,079,175, plus strand): 5'-GAGGGGAACTGACCATCCTGGGGAGGACCCGCCTACCTTGCAGACTATGGAGGAGCCCTC[T>C]GAGCCCTTCCAGTGCATCCTGAGCCAACTGCTGTCGCCTCAGAGTCAGACCGGAGTTCTG-3'
Protein context (NP_004620.1, residues 41-61): QLAQDALEGL[Arg51Gly]GLLHSLQGLP

ClinVar aggregate classification (germline): Uncertain significance (1 of 4 stars; one submission).

Conditions:
Inborn genetic diseases. Identifiers: MedGen C0950123, MeSH D030342.

Submission:

Ambry Genetics
Classification: Uncertain significance for Inborn genetic diseases. Last evaluated: 2025-05-23. Review status: criteria provided, single submitter. Criteria: Ambry Variant Classification Scheme 2023. Collection method: clinical testing. Allele origin: germline.
Comment: The p.R51G variant (also known as c.151A>G), located in coding exon 2 of the FANCG gene, results from an A to G substitution at nucleotide position 151. The arginine at codon 51 is replaced by glycine, an amino acid with dissimilar properties. This amino acid position is conserved. In addition, this alteration is predicted to be tolerated by in silico analysis. Based on the available evidence, the clinical significance of this variant remains unclear.